The following is an entry in ClinVar:

ClinVar aggregate classification (germline): Uncertain significance (1 of 4 stars; one submission).

Conditions:
Hereditary cancer-predisposing syndrome. Also called: Hereditary Cancer Syndrome; Tumor predisposition; Neoplastic Syndromes, Hereditary; Hereditary neoplastic syndrome. Identifiers: Orphanet 140162, MedGen C0027672, MeSH D009386, MONDO:0015356.

Submission:

Ambry Genetics
Classification: Uncertain significance for Hereditary cancer-predisposing syndrome. Last evaluated: 2026-01-15. Review status: criteria provided, single submitter. Criteria: Ambry Variant Classification Scheme 2023. Collection method: clinical testing. Allele origin: germline.
Comment: The p.Q1282* variant (also known as c.3844C>T), located in coding exon 31 of the POLE gene, results from a C to T substitution at nucleotide position 3844. This changes the amino acid from a glutamine to a stop codon within coding exon 31. This alteration is expected to result in loss of function by premature protein truncation or nonsense-mediated mRNA decay. Although biallelic loss of function of POLE has been associated with autosomal recessive POLE deficiency, haploinsufficiency of POLE has not been established as a mechanism of disease for POLE-related polymerase proofreading-associated polyposis (PPAP) and POLE-related CMMRD-like syndrome. Based on the supporting evidence, this variant is expected to be causative of POLE deficiency when present along with a second pathogenic variant on the other allele; however, its clinical significance for PPAP and POLE-related CMMRD-like syndrome is unclear.

NM_006231.4(POLE):c.3844C>T (p.Gln1282Ter)

Gene: POLE (DNA polymerase epsilon, catalytic subunit; minus strand). Cytogenetic location: 12q24.33.
Variant type: single nucleotide variant.
Coding change: c.3844C>T on transcript NM_006231.4 (MANE Select); coding-DNA position 3844, C replaced by T.
Protein change: p.Gln1282Ter; replaces glutamine 1282 with a stop codon.
Molecular consequence: nonsense.
Genome position (GRCh38, 1-based): chr12:132,649,467, G>A on the plus strand (C>T on the coding strand, the complement: POLE is on the minus strand). VCF-style: chr12-132649467-G-A. GRCh37 (hg19) VCF-style: chr12-133226053-G-A.
Other names: short protein forms Q1282*.
Identifiers: ClinVar variation 824288 (VCV000824288.5), dbSNP rs1593750192, ClinGen allele CA387385457.